The following is an entry in ClinVar:

ClinVar aggregate classification (germline): Uncertain significance. Review status: criteria provided, multiple submitters, no conflicts (2 of 4 stars). 2 submissions from 2 submitters: Uncertain significance (2). Last evaluated 2024-01-01.

Allele frequency attached by ClinVar (database versions not stated): gnomAD exomes below 0.00001.
gnomAD v4.1: 6 of 1,613,456 alleles (0.00037%); highest among the groups gnomAD compares: Non-Finnish European, 0.00051%; no homozygotes.

Submissions (2):

CeGaT Center for Human Genetics Tuebingen
Classification: Uncertain significance. Last evaluated: 2024-01-01. Review status: criteria provided, single submitter. Criteria: CeGaT Center For Human Genetics Tuebingen Variant Classification Criteria Version 2. Collection method: clinical testing. Allele origin: germline. Affected: yes. Observed: 1 variant allele.
Comment: BCL11B: PM2, PP2

Labcorp Genetics (formerly Invitae), Labcorp
Classification: Uncertain significance. Last evaluated: 2020-11-11. Review status: criteria provided, single submitter. Criteria: Invitae Variant Classification Sherloc (09022015). Collection method: clinical testing. Allele origin: germline.
Comment: This sequence change replaces aspartic acid with asparagine at codon 885 of the BCL11B protein (p.Asp885Asn). The aspartic acid residue is highly conserved and there is a small physicochemical difference between aspartic acid and asparagine. This variant is not present in population databases (ExAC no frequency). Algorithms developed to predict the effect of missense changes on protein structure and function are either unavailable or do not agree on the potential impact of this missense change (SIFT: "Deleterious"; PolyPhen-2: "Benign"; Align-GVGD: "Class C0"). In summary, the available evidence is currently insufficient to determine the role of this variant in disease. Therefore, it has been classified as a Variant of Uncertain Significance. This variant has not been reported in the literature in individuals with BCL11B-related conditions.

NM_138576.4(BCL11B):c.2653G>A (p.Asp885Asn)

Gene: BCL11B (BCL11 transcription factor B; minus strand). Cytogenetic location: 14q32.2.
Variant type: single nucleotide variant.
Coding change: c.2653G>A on transcript NM_138576.4 (MANE Select); coding-DNA position 2653, G replaced by A.
Protein change: p.Asp885Asn; replaces aspartic acid 885 with asparagine.
Molecular consequence: missense variant.
Genome position (GRCh38, 1-based): chr14:99,174,183, C>T on the plus strand (G>A on the coding strand, the complement: BCL11B is on the minus strand). VCF-style: chr14-99174183-C-T. GRCh37 (hg19) VCF-style: chr14-99640520-C-T.
Other names: c.2650G>A, p.Asp884Asn (NM_001282237.2); c.2437G>A, p.Asp813Asn (NM_001282238.2); c.2440G>A, p.Asp814Asn (NM_022898.3); short protein forms D813N, D814N, D884N, D885N.
Identifiers: ClinVar variation 1346196 (VCV001346196.30), dbSNP rs2139752310, ClinGen allele CA390932711.